The following is an entry in ClinVar:

NM_032119.4(ADGRV1):c.7778G>T (p.Gly2593Val)

Gene: ADGRV1 (adhesion G protein-coupled receptor V1; plus strand). Cytogenetic location: 5q14.3.
Variant type: single nucleotide variant.
Coding change: c.7778G>T on transcript NM_032119.4 (MANE Select); coding-DNA position 7778, G replaced by T.
Protein change: p.Gly2593Val; replaces glycine 2593 with valine.
Molecular consequence: missense variant. On other transcripts: non-coding transcript variant (1).
Genome position (GRCh38, 1-based): chr5:90,694,534, G>T. VCF-style: chr5-90694534-G-T. GRCh37 (hg19) VCF-style: chr5-89990351-G-T.
Other names: short protein forms G2593V.
Identifiers: ClinVar variation 1429619 (VCV001429619.5), dbSNP rs775043369, ClinGen allele CA3340092.

ClinVar aggregate classification (germline): Uncertain significance (1 of 4 stars; one submission).

Allele frequency attached by ClinVar (database versions not stated): gnomAD 0.00001; gnomAD exomes 0.00002 and 0.00004; TOPMed 0.00002; ExAC 0.00003.
gnomAD v4.1: 14 of 1,613,760 alleles (0.00087%); highest among the groups gnomAD compares: Admixed American, 0.023%; no homozygotes.

Submission:

Labcorp Genetics (formerly Invitae), Labcorp
Classification: Uncertain significance. Last evaluated: 2024-06-08. Review status: criteria provided, single submitter. Criteria: Invitae Variant Classification Sherloc (09022015). Collection method: clinical testing. Allele origin: germline.
Comment: This sequence change replaces glycine, which is neutral and non-polar, with valine, which is neutral and non-polar, at codon 2593 of the ADGRV1 protein (p.Gly2593Val). This variant is present in population databases (rs775043369, gnomAD 0.02%). This variant has not been reported in the literature in individuals affected with ADGRV1-related conditions. ClinVar contains an entry for this variant (Variation ID: 1429619). Advanced modeling of protein sequence and biophysical properties (such as structural, functional, and spatial information, amino acid conservation, physicochemical variation, residue mobility, and thermodynamic stability) has been performed at Invitae for this missense variant, however the output from this modeling did not meet the statistical confidence thresholds required to predict the impact of this variant on ADGRV1 protein function. In summary, the available evidence is currently insufficient to determine the role of this variant in disease. Therefore, it has been classified as a Variant of Uncertain Significance.